The following is an entry in ClinVar:

NM_003743.5(NCOA1):c.578A>G (p.His193Arg)

Gene: NCOA1 (nuclear receptor coactivator 1; plus strand). Cytogenetic location: 2p23.3.
Variant type: single nucleotide variant.
Coding change: c.578A>G on transcript NM_003743.5 (MANE Select); coding-DNA position 578, A replaced by G.
Protein change: p.His193Arg; replaces histidine 193 with arginine.
Molecular consequence: missense variant.
Genome position (GRCh38, 1-based): chr2:24,691,526, A>G. VCF-style: chr2-24691526-A-G. GRCh37 (hg19) VCF-style: chr2-24914395-A-G.
Other names: c.578A>G, p.His193Arg (NM_001362950.1, NM_001362952.1, NM_001362954.1 and 3 more transcripts); short protein forms H193R.
Identifiers: ClinVar variation 3357536 (VCV003357536.2).

ClinVar aggregate classification (germline): Uncertain significance (1 of 4 stars; one submission).

Conditions:
NCOA1-related disorder. Also called: NCOA1-related condition.

gnomAD v4.1: 73 of 1,614,068 alleles (0.0045%); highest among the groups gnomAD compares: Non-Finnish European, 0.0049%; no homozygotes.

Submission:

PreventionGenetics, part of Exact Sciences
Classification: Uncertain significance for NCOA1-related condition. Last evaluated: 2025-06-04. Review status: criteria provided, single submitter. Criteria: ACMG Guidelines, 2015. Collection method: clinical testing. Allele origin: germline.
Comment: The NCOA1 c.578A>G variant is predicted to result in the amino acid substitution p.His193Arg. To our knowledge, this variant has not been reported in the literature. This variant is reported in 0.0070% of alleles in individuals of European (non-Finnish) descent in gnomAD. At this time, the clinical significance of this variant is uncertain due to the absence of conclusive functional and genetic evidence.